The following is an entry in ClinVar:

NM_004984.4(KIF5A):c.2278A>G (p.Ser760Gly)

Gene: KIF5A (kinesin family member 5A; plus strand). Cytogenetic location: 12q13.3.
Variant type: single nucleotide variant.
Coding change: c.2278A>G on transcript NM_004984.4 (MANE Select); coding-DNA position 2278, A replaced by G.
Protein change: p.Ser760Gly; replaces serine 760 with glycine.
Molecular consequence: missense variant.
Genome position (GRCh38, 1-based): chr12:57,576,840, A>G. VCF-style: chr12-57576840-A-G. GRCh37 (hg19) VCF-style: chr12-57970623-A-G.
Other names: c.2011A>G, p.Ser671Gly (NM_001354705.2); short protein forms S671G, S760G.
Identifiers: ClinVar variation 2188330 (VCV002188330.4), dbSNP rs1882442592, ClinGen allele CA385511640.

ClinVar aggregate classification (germline): Uncertain significance (1 of 4 stars; one submission).

Conditions:
Spastic paraplegia. Identifiers: MedGen C0037772, HP:0001258.

Allele frequency attached by ClinVar (database versions not stated): TOPMed below 0.00001.

Submission:

Labcorp Genetics (formerly Invitae), Labcorp
Classification: Uncertain significance for Spastic paraplegia. Last evaluated: 2022-07-01. Review status: criteria provided, single submitter. Criteria: Invitae Variant Classification Sherloc (09022015). Collection method: clinical testing. Allele origin: germline.
Comment: This sequence change replaces serine, which is neutral and polar, with glycine, which is neutral and non-polar, at codon 760 of the KIF5A protein (p.Ser760Gly). In summary, the available evidence is currently insufficient to determine the role of this variant in disease. Therefore, it has been classified as a Variant of Uncertain Significance. Advanced modeling of protein sequence and biophysical properties (such as structural, functional, and spatial information, amino acid conservation, physicochemical variation, residue mobility, and thermodynamic stability) performed at Invitae indicates that this missense variant is not expected to disrupt KIF5A protein function. This variant has not been reported in the literature in individuals affected with KIF5A-related conditions. This variant is not present in population databases (gnomAD no frequency).